The following is an entry in ClinVar:

NM_001395426.1(PDE4DIP):c.4317A>G (p.Gln1439=)

Gene: PDE4DIP (phosphodiesterase 4D interacting protein; plus strand). Cytogenetic location: 1q21.2.
Variant type: single nucleotide variant.
Coding change: c.4317A>G on transcript NM_001395426.1 (MANE Select); coding-DNA position 4317, A replaced by G.
Protein change: p.Gln1439=; no amino-acid change (glutamine 1439 retained).
Molecular consequence: synonymous variant.
Genome position (GRCh38, 1-based): chr1:149,005,141, A>G. VCF-style: chr1-149005141-A-G. GRCh37 (hg19) VCF-style: chr1-144879331-T-C.
Other names: c.3987A>G, p.Gln1329= (NM_001198832.4, NM_001377393.2, NM_001395306.1 and 1 more transcripts); c.4119A>G, p.Gln1373= (NM_001198834.5, NM_014644.7); c.4605A>G, p.Gln1535= (NM_001350520.2, NM_001395299.1, NM_001395301.1); c.4530A>G, p.Gln1510= (NM_001350521.4, NM_001377392.2); c.4317A>G, p.Gln1439= (NM_001350522.3, NM_001395304.1, NM_001395305.1 and 1 more transcripts); c.3984A>G, p.Gln1328= (NM_001350523.3, NM_001395312.1, NM_001395314.1); c.4608A>G, p.Gln1536= (NM_001395297.1); c.4527A>G, p.Gln1509= (NM_001395298.1); and 5 more.
Identifiers: ClinVar variation 2639069 (VCV002639069.24), dbSNP rs139264748, ClinGen allele CA1046052.
Genomic context (GRCh38, chr1:149,005,141, plus strand): 5'-CCTACGAAAGGACATCAAAGATCTGAAGGCCCAGCTGCAGAATGCCAACAAGGTCATTCA[A>G]AACCTCAAGAGCCGGGTCCGGTCCCTCTCAGTTACAAGTGATTATTCGTCTAGTCTGGAA-3'
Protein context (NP_001382355.1, residues 1429-1449): AQLQNANKVI[Gln1439=]NLKSRVRSLS

ClinVar aggregate classification (germline): Likely benign (1 of 4 stars; one submission).

Allele frequency attached by ClinVar (database versions not stated): ESP Exome Variant Server 0.00015; ExAC 0.00068.

Submission:

CeGaT Center for Human Genetics Tuebingen
Classification: Likely benign. Last evaluated: 2022-11-01. Review status: criteria provided, single submitter. Criteria: CeGaT Center For Human Genetics Tuebingen Variant Classification Criteria Version 2. Collection method: clinical testing. Allele origin: germline. Affected: yes. Observed: 2 variant alleles.
Comment: PDE4DIP: BP4, BP7